The following is an entry in ClinVar:

ClinVar aggregate classification (germline): Likely benign (1 of 4 stars; one submission).

Allele frequency attached by ClinVar (database versions not stated): 1000 Genomes Project 30x 0.00094; 1000 Genomes Project 0.00100; gnomAD 0.00301; TOPMed 0.00330; gnomAD exomes 0.00374.
gnomAD v4.1: 1,387 of 398,378 alleles (0.35%); highest among the groups gnomAD compares: Non-Finnish European, 0.52%; 5 homozygotes.

Submission:

CeGaT Center for Human Genetics Tuebingen
Classification: Likely benign. Last evaluated: 2026-08-01. Review status: criteria provided, single submitter. Criteria: CeGaT Center For Human Genetics Tuebingen Variant Classification Criteria Version 2. Collection method: clinical testing. Allele origin: germline. Affected: yes. Observed: 26 variant alleles.
Comment: KCNQ1OT1: BS2

NM_000218.3(KCNQ1):c.1393+26185T>A

Genes: KCNQ1 (potassium voltage-gated channel subfamily Q member 1; plus strand), KCNQ1OT1 (KCNQ1 opposite strand/antisense transcript 1; minus strand). Cytogenetic location: 11p15.5.
Variant type: single nucleotide variant.
Coding change: c.1393+26185T>A on transcript NM_000218.3 (MANE Select); 26185 bases into the intron after coding-DNA position 1393, T replaced by A.
Molecular consequence: intron variant. On other transcripts: non-coding transcript variant (1).
Genome position (GRCh38, 1-based): chr11:2,615,039, T>A. VCF-style: chr11-2615039-T-A. GRCh37 (hg19) VCF-style: chr11-2636269-T-A.
Other names: c.1123+26185T>A (NM_001406837.1); c.1297+26185T>A (NM_001406836.1); c.853+26185T>A (NM_001406838.1); c.1012+26185T>A (NM_181798.2).
Identifiers: ClinVar variation 2641371 (VCV002641371.24), dbSNP rs187053709, ClinGen allele CA216359250.